The following is an entry in ClinVar:

NM_015662.3(IFT172):c.4051-1G>A

Gene: IFT172 (intraflagellar transport 172; minus strand). Cytogenetic location: 2p23.3.
Variant type: single nucleotide variant.
Coding change: c.4051-1G>A on transcript NM_015662.3 (MANE Select); the canonical splice acceptor site of the intron before coding-DNA position 4051, G replaced by A.
Molecular consequence: splice acceptor variant.
Genome position (GRCh38, 1-based): chr2:27,449,801, C>T on the plus strand (G>A on the coding strand, the complement: IFT172 is on the minus strand). VCF-style: chr2-27449801-C-T. GRCh37 (hg19) VCF-style: chr2-27672668-C-T.
Other names: c.3985-1G>A (NM_001410739.1).
Identifiers: ClinVar variation 971863 (VCV000971863.8), dbSNP rs1665487115, ClinGen allele CA346422277.
Genomic context (GRCh38, chr2:27,449,801, plus strand): 5'-CTCGATGAAAGCATCGATTGCTTCCTTGACAAGGTCCAGATTCAGATAGAGCTCTGCAGC[C>T]TGCACAGTGGGAAATCAGCGTGGAGACTTTCTCCTCGCTCCCAGTCTTCCCACTGTGAGC-3'

ClinVar aggregate classification (germline): Likely pathogenic (1 of 4 stars; one submission).

Conditions:
Retinitis pigmentosa 71 (RP71). Identifiers: Orphanet 791, MedGen C4225342, MONDO:0014618, OMIM 616394.
Short-rib thoracic dysplasia 10 with or without polydactyly (SRTD10). Identifiers: Orphanet 474, MedGen C3810175, MONDO:0014284, OMIM 615630.

Allele frequency attached by ClinVar (database versions not stated): gnomAD exomes below 0.00001.
gnomAD v4.1: 1 of 1,606,392 alleles (0.000062%); highest among the groups gnomAD compares: Non-Finnish European, 0.000085%; no homozygotes.

Submission:

Labcorp Genetics (formerly Invitae), Labcorp
Classification: Likely pathogenic for Retinitis pigmentosa 71; Short-rib thoracic dysplasia 10 with or without polydactyly. Last evaluated: 2025-10-16. Review status: criteria provided, single submitter. Criteria: Invitae Variant Classification Sherloc (09022015). Collection method: clinical testing. Allele origin: germline.
Comment: This sequence change affects an acceptor splice site in intron 36 of the IFT172 gene. It is expected to disrupt RNA splicing. Variants that disrupt the donor or acceptor splice site typically lead to a loss of protein function (PMID: 16199547), and loss-of-function variants in IFT172 are known to be pathogenic (PMID: 24140113). This variant is not present in population databases (gnomAD no frequency). This variant has not been reported in the literature in individuals affected with IFT172-related conditions. ClinVar contains an entry for this variant (Variation ID: 971863). Algorithms developed to predict the effect of sequence changes on RNA splicing suggest that this variant may disrupt the consensus splice site. In summary, the currently available evidence indicates that the variant is pathogenic, but additional data are needed to prove that conclusively. Therefore, this variant has been classified as Likely Pathogenic.

Literature cited by the submitters: PubMed 16199547; PubMed 24140113.